The following is an entry in ClinVar:

NM_004540.5(NCAM2):c.2485C>G (p.Gln829Glu)

Gene: NCAM2 (neural cell adhesion molecule 2; plus strand). Cytogenetic location: 21q21.1.
Variant type: single nucleotide variant.
Coding change: c.2485C>G on transcript NM_004540.5 (MANE Select); coding-DNA position 2485, C replaced by G.
Protein change: p.Gln829Glu; replaces glutamine 829 with glutamic acid.
Molecular consequence: missense variant.
Genome position (GRCh38, 1-based): chr21:21,537,928, C>G. VCF-style: chr21-21537928-C-G. GRCh37 (hg19) VCF-style: chr21-22910249-C-G.
Other names: c.2485C>G (NM_004540.3); c.2521C>G, p.Gln841Glu (NM_001352591.2); c.2560C>G, p.Gln854Glu (NM_001352592.2); c.2059C>G, p.Gln687Glu (NM_001352595.2); short protein forms Q687E, Q829E, Q841E, Q854E.
Identifiers: ClinVar variation 3037657 (VCV003037657.3), dbSNP rs150466591, ClinGen allele CA9985674.

ClinVar aggregate classification (germline): Uncertain significance. Review status: criteria provided, single submitter (1 of 4 stars). 2 submissions from 2 submitters: Uncertain significance (1). 1 of the submissions does not count toward it. Last evaluated 2025-12-08.

Conditions:
NCAM2-related disorder. Also called: NCAM2-related condition.

Allele frequency attached by ClinVar (database versions not stated): 1000 Genomes Project 0.00359; ExAC 0.00055; TOPMed 0.00210; 1000 Genomes Project 30x 0.00359; ESP Exome Variant Server 0.00161; gnomAD 0.00193.
gnomAD v4.1: 545 of 1,569,482 alleles (0.035%); highest among the groups gnomAD compares: African/African-American, 0.61%; no homozygotes.

Submissions (2):

Ambry Genetics
Classification: Uncertain significance. Last evaluated: 2025-12-08. Review status: criteria provided, single submitter. Criteria: Ambry Variant Classification Scheme 2023. Collection method: clinical testing. Allele origin: germline.

PreventionGenetics, part of Exact Sciences
Classification: Likely benign for NCAM2-related condition. Last evaluated: 2019-05-07. Review status: no assertion criteria provided. Collection method: clinical testing. Allele origin: germline. Not counted in ClinVar's aggregate classification.
Comment: This variant is classified as likely benign based on ACMG/AMP sequence variant interpretation guidelines (Richards et al. 2015 PMID: 25741868, with internal and published modifications).